The following is an entry in ClinVar:

ClinVar aggregate classification (germline): Uncertain significance (1 of 4 stars; one submission).

Allele frequency attached by ClinVar (database versions not stated): gnomAD exomes below 0.00001; gnomAD 0.00001; TOPMed 0.00001.
gnomAD v4.1: 6 of 1,612,324 alleles (0.00037%); highest among the groups gnomAD compares: East Asian, 0.0045%; no homozygotes.

Submission:

Labcorp Genetics (formerly Invitae), Labcorp
Classification: Uncertain significance. Last evaluated: 2022-08-10. Review status: criteria provided, single submitter. Criteria: Invitae Variant Classification Sherloc (09022015). Collection method: clinical testing. Allele origin: germline.
Comment: ClinVar contains an entry for this variant (Variation ID: 1363994). This variant has not been reported in the literature in individuals affected with HIKESHI-related conditions. This variant is present in population databases (no rsID available, gnomAD 0.06%). This sequence change replaces valine, which is neutral and non-polar, with alanine, which is neutral and non-polar, at codon 135 of the HIKESHI protein (p.Val135Ala). In summary, the available evidence is currently insufficient to determine the role of this variant in disease. Therefore, it has been classified as a Variant of Uncertain Significance. Algorithms developed to predict the effect of missense changes on protein structure and function (SIFT, PolyPhen-2, Align-GVGD) all suggest that this variant is likely to be tolerated.

NM_016401.4(HIKESHI):c.404T>C (p.Val135Ala)

Gene: HIKESHI (heat shock protein nuclear import factor hikeshi; plus strand). Cytogenetic location: 11q14.2.
Variant type: single nucleotide variant.
Coding change: c.404T>C on transcript NM_016401.4 (MANE Select); coding-DNA position 404, T replaced by C.
Protein change: p.Val135Ala; replaces valine 135 with alanine.
Molecular consequence: missense variant. On other transcripts: non-coding transcript variant (3).
Genome position (GRCh38, 1-based): chr11:86,337,514, T>C. VCF-style: chr11-86337514-T-C. GRCh37 (hg19) VCF-style: chr11-86048556-T-C.
Other names: c.404T>C, p.Val135Ala (NM_001322404.2); c.287T>C, p.Val96Ala (NM_001322407.2, NM_001322409.2); short protein forms V135A, V96A.
Identifiers: ClinVar variation 1363994 (VCV001363994.8), dbSNP rs1479429451, ClinGen allele CA382009900.
Genomic context (GRCh38, chr11:86,337,514, plus strand): 5'-TGGAATTATTAGACAGTATGGCTCAGCAGACTCCTGTAGGTAATGCTGCTGTATCCTCAG[T>C]TGACTCATTCACTCAGGTAATGCAACATACATTTCATTCTTTACCTCCCCCTCCACTGCT-3'
Protein context (NP_057485.2, residues 125-145): TPVGNAAVSS[Val135Ala]DSFTQFTQKM